The following is an entry in ClinVar:

ClinVar aggregate classification (germline): Benign/Likely benign. Review status: criteria provided, multiple submitters, no conflicts (2 of 4 stars). 15 submissions from 15 submitters: Benign (7); Likely benign (8). Last evaluated 2026-02-01.

Conditions:
Alagille syndrome due to a JAG1 point mutation. Also called: HEPATIC DUCTULAR HYPOPLASIA, SYNDROMATIC; JAG1-Related Alagille Syndrome; Alagille Syndrome 1. Identifiers: Orphanet 261619, Orphanet 52, MedGen C1956125, MONDO:0016862, OMIM 118450.
Charcot-Marie-Tooth disease, axonal, Type 2HH. Also called: CHARCOT-MARIE-TOOTH NEUROPATHY, TYPE 2HH. Identifiers: MedGen C5562003, MONDO:0030458, OMIM 619574.
Tetralogy of Fallot (TOF). Identifiers: Orphanet 3303, MedGen C0039685, MONDO:0008542, OMIM 187500, HP:0001636.
Deafness, congenital heart defects, and posterior embryotoxon (DCHE). Identifiers: MedGen C1866053, MONDO:0060713, OMIM 617992.
Isolated Nonsyndromic Congenital Heart Disease.
Cardiovascular phenotype. Identifiers: MedGen CN230736.

Allele frequency attached by ClinVar (database versions not stated): ESP Exome Variant Server 0.00138; gnomAD 0.00180; TOPMed 0.00218; 1000 Genomes Project 0.00220; 1000 Genomes Project 30x 0.00234.
gnomAD v4.1: 3,513 of 1,614,150 alleles (0.22%); highest among the groups gnomAD compares: South Asian, 0.34%; 7 homozygotes.

Submissions (15):

CeGaT Center for Human Genetics Tuebingen
Classification: Likely benign. Last evaluated: 2026-02-01. Review status: criteria provided, single submitter. Criteria: CeGaT Center For Human Genetics Tuebingen Variant Classification Criteria Version 2. Collection method: clinical testing. Allele origin: germline. Affected: yes. Observed: 14 variant alleles.
Comment: JAG1: BP4, BS1

Labcorp Genetics (formerly Invitae), Labcorp
Classification: Benign for Alagille syndrome due to a JAG1 point mutation. Last evaluated: 2026-02-01. Review status: criteria provided, single submitter. Criteria: Invitae Variant Classification Sherloc (09022015). Collection method: clinical testing. Allele origin: germline.

Mayo Clinic Laboratories, Mayo Clinic
Classification: Likely benign. Last evaluated: 2025-10-07. Review status: criteria provided, single submitter. Criteria: ACMG Guidelines, 2015. Collection method: clinical testing. Allele origin: germline. Observed: 6 variant alleles.
Comment: BS1, BS2, BS3

Blueprint Genetics
Classification: Likely benign. Last evaluated: 2024-11-22. Review status: criteria provided, single submitter. Criteria: ACMG Guidelines, 2015. Collection method: clinical testing. Allele origin: germline.

Fulgent Genetics
Classification: Likely benign for Alagille syndrome due to a JAG1 point mutation; Tetralogy of Fallot; Deafness, congenital heart defects, and posterior embryotoxon; Charcot-Marie-Tooth disease, axonal, Type 2HH. Last evaluated: 2022-04-08. Review status: criteria provided, single submitter. Criteria: ACMG Guidelines, 2015. Collection method: clinical testing. Allele origin: unknown.

Mendelics
Classification: Benign for Alagille syndrome due to a JAG1 point mutation. Last evaluated: 2019-05-28. Review status: criteria provided, single submitter. Criteria: Mendelics Assertion Criteria 2017. Collection method: clinical testing. Allele origin: unknown.

Genetic Services Laboratory, University of Chicago
Classification: Benign. Last evaluated: 2019-03-14. Review status: criteria provided, single submitter. Criteria: ACMG Guidelines, 2015. Collection method: clinical testing. Allele origin: germline. Affected: no.

SIB Swiss Institute of Bioinformatics
Classification: Benign for Alagille syndrome due to a JAG1 point mutation. Last evaluated: 2018-10-15. Review status: criteria provided, single submitter. Criteria: ACMG Guidelines, 2015. Collection method: curation. Allele origin: unknown.
Comment: This variant is interpreted as Benign, for Alagille syndrome 1, autosomal dominant. The following ACMG Tag(s) were applied: BS1 => Allele frequency is greater than expected for disorder. BS3 => Well-established in vitro or in vivo functional studies show no damaging effect on protein function or splicing (PubMed 20437614).

GeneDx
Classification: Benign. Last evaluated: 2018-04-18. Review status: criteria provided, single submitter. Criteria: GeneDx Variant Classification Process June 2021. Collection method: clinical testing. Allele origin: germline. Affected: yes.
Comment: This variant is associated with the following publications: (PMID: 12497640, 20437614, 26760175, 25260786, 22040217, 19948535, 23956173, 28444304)

Illumina Laboratory Services, Illumina
Classification: Benign for Isolated Nonsyndromic Congenital Heart Disease. Last evaluated: 2018-03-06. Review status: criteria provided, single submitter. Criteria: ICSL Variant Classification Criteria 13 December 2019. Collection method: clinical testing. Allele origin: germline.
Comment: This variant was observed in the ICSL laboratory as part of a predisposition screen in an ostensibly healthy population. It had not been previously curated by ICSL or reported in the Human Gene Mutation Database (HGMD: prior to June 1st, 2018), and was therefore a candidate for classification through an automated scoring system. Utilizing variant allele frequency, disease prevalence and penetrance estimates, and inheritance mode, an automated score was calculated to assess if this variant is too frequent to cause the disease. Based on the score and internal cut-off values, a variant classified as benign is not then subjected to further curation. The score for this variant resulted in a classification of benign for this disease.

Ambry Genetics
Classification: Likely benign for Cardiovascular phenotype. Last evaluated: 2017-07-20. Review status: criteria provided, single submitter. Criteria: Ambry Variant Classification Scheme 2023. Collection method: clinical testing. Allele origin: germline.

Center for Pediatric Genomic Medicine, Children's Mercy Hospital and Clinics
Classification: Likely benign. Last evaluated: 2017-02-13. Review status: criteria provided, single submitter. Criteria: ACMG Guidelines, 2015. Collection method: clinical testing. Allele origin: germline.
ClinVar note: Converted during submission from Likely Benign to Likely benign.

Eurofins Ntd Llc (ga)
Classification: Likely benign. Last evaluated: 2016-11-23. Review status: criteria provided, single submitter. Criteria: EGL Classification Definitions 2015. Collection method: clinical testing. Allele origin: germline. Observed: 3 variant alleles, 3 heterozygotes.

Breakthrough Genomics
Classification: Likely benign. Review status: criteria provided, single submitter. Criteria: ACMG Guidelines, 2015. Collection method: not provided. Allele origin: germline. Inheritance: Autosomal dominant inheritance. Affected: yes.

PreventionGenetics, part of Exact Sciences
Classification: Benign. Review status: criteria provided, single submitter. Criteria: ACMG Guidelines, 2015. Collection method: clinical testing. Allele origin: germline.

Literature cited by the submitters: PubMed 28444304 (cited by Mayo Clinic Laboratories, Mayo Clinic); PubMed 37471416 (cited by Mayo Clinic Laboratories, Mayo Clinic); PubMed 20437614 (cited by SIB Swiss Institute of Bioinformatics and Ambry Genetics); PubMed 12497640 (cited by Ambry Genetics); PubMed 19948535 (cited by Ambry Genetics); PubMed 22040217 (cited by Ambry Genetics); PubMed 23956173 (cited by Ambry Genetics); PubMed 25260786 (cited by Ambry Genetics); PubMed 26760175 (cited by Ambry Genetics).

NM_000214.3(JAG1):c.2810G>A (p.Arg937Gln)

Gene: JAG1 (jagged canonical Notch ligand 1; minus strand). Cytogenetic location: 20p12.2.
Variant type: single nucleotide variant.
Coding change: c.2810G>A on transcript NM_000214.3 (MANE Select); coding-DNA position 2810, G replaced by A.
Protein change: p.Arg937Gln; replaces arginine 937 with glutamine.
Molecular consequence: missense variant.
Genome position (GRCh38, 1-based): chr20:10,641,566, C>T on the plus strand (G>A on the coding strand, the complement: JAG1 is on the minus strand). VCF-style: chr20-10641566-C-T. GRCh37 (hg19) VCF-style: chr20-10622214-C-T.
Other names: c.2810G>A, p.Arg937Gln (LRG_1191t1); short protein forms R937Q.
Identifiers: ClinVar variation 213527 (VCV000213527.60), dbSNP rs145895196, ClinGen allele CA319910.